The following is an entry in ClinVar:

NM_032856.5(WDR73):c.518-10G>A

Gene: WDR73 (WD repeat domain 73; minus strand). Cytogenetic location: 15q25.2.
Variant type: single nucleotide variant.
Coding change: c.518-10G>A on transcript NM_032856.5 (MANE Select); 10 bases into the intron before coding-DNA position 518, G replaced by A.
Molecular consequence: intron variant.
Genome position (GRCh38, 1-based): chr15:84,645,846, C>T on the plus strand (G>A on the coding strand, the complement: WDR73 is on the minus strand). VCF-style: chr15-84645846-C-T. GRCh37 (hg19) VCF-style: chr15-85189077-C-T.
Identifiers: ClinVar variation 429429 (VCV000429429.12), dbSNP rs769933431, ClinGen allele CA7707309.

ClinVar aggregate classification (germline): Conflicting classifications of pathogenicity. Review status: criteria provided, conflicting classifications (1 of 4 stars). 5 submissions from 5 submitters: Pathogenic (1); Likely pathogenic (2); Uncertain significance (2). Last evaluated 2025-12-31.

Conditions:
Galloway-Mowat syndrome 1 (GAMOS1). Identifiers: Orphanet 2065, Orphanet 83472, MedGen C4551772, MONDO:0033005, OMIM 251300.
WDR73-related disorder. Also called: WDR73-related disorders; WDR73-related condition.

Allele frequency attached by ClinVar (database versions not stated): gnomAD 0.00003; gnomAD exomes 0.00005; TOPMed 0.00005; ExAC 0.00009.
gnomAD v4.1: 31 of 1,613,442 alleles (0.0019%); highest among the groups gnomAD compares: Admixed American, 0.015%; no homozygotes.

Submissions (5):

GeneDx
Classification: Pathogenic. Last evaluated: 2025-12-31. Review status: criteria provided, single submitter. Criteria: GeneDx Variant Classification Process June 2021. Collection method: clinical testing. Allele origin: germline. Affected: yes.
Comment: Reported in a proband with profound psychomotor delay and feeding difficulties who also harbors a frameshift variant in the WDR73 gene in trans (PMID: 39532686); RNA studies demonstrate a damaging effect leading to a cryptic splice acceptor site (PMID: 39532686); In silico analysis supports a deleterious effect on splicing; This variant is associated with the following publications: (PMID: 39532686)

Blueprint Genetics
Classification: Likely pathogenic for WDR73-related disorders. Last evaluated: 2024-11-07. Review status: criteria provided, single submitter. Criteria: ACMG Guidelines, 2015. Collection method: clinical testing. Allele origin: germline. Affected: yes. Observed: 2 variant alleles.

Labcorp Genetics (formerly Invitae), Labcorp
Classification: Uncertain significance. Last evaluated: 2023-10-13. Review status: criteria provided, single submitter. Criteria: Invitae Variant Classification Sherloc (09022015). Collection method: clinical testing. Allele origin: germline.
Comment: This sequence change falls in intron 6 of the WDR73 gene. It does not directly change the encoded amino acid sequence of the WDR73 protein. This variant is present in population databases (rs769933431, gnomAD 0.01%). This variant has not been reported in the literature in individuals affected with WDR73-related conditions. ClinVar contains an entry for this variant (Variation ID: 429429). Algorithms developed to predict the effect of sequence changes on RNA splicing suggest that this variant may disrupt the consensus splice site. In summary, the available evidence is currently insufficient to determine the role of this variant in disease. Therefore, it has been classified as a Variant of Uncertain Significance.

Fulgent Genetics
Classification: Uncertain significance for Galloway-Mowat syndrome 1. Last evaluated: 2022-05-09. Review status: criteria provided, single submitter. Criteria: ACMG Guidelines, 2015. Collection method: clinical testing. Allele origin: unknown.

Juno Genomics, Hangzhou Juno Genomics, Inc
Classification: Likely pathogenic for Galloway-Mowat syndrome 1. Review status: criteria provided, single submitter. Criteria: ACMG Guidelines, 2015. Collection method: clinical testing. Allele origin: germline.
Comment: Absent from controls (or at extremely low frequency if recessive) in Genome Aggregation Database.;For recessive disorders, detected in trans with a pathogenic variant.;Patient's phenotype or family history is highly specific for a disease with a single genetic etiology.;Null variant in a gene where loss of function (LOF) is a known mechanism of disease.